The following is an entry in ClinVar:

ClinVar aggregate classification (germline): Uncertain significance. Review status: criteria provided, multiple submitters, no conflicts (2 of 4 stars). 3 submissions from 3 submitters: Uncertain significance (3). Last evaluated 2024-05-28.

Conditions:
Hereditary cancer-predisposing syndrome. Also called: Hereditary Cancer Syndrome; Tumor predisposition; Neoplastic Syndromes, Hereditary; Hereditary neoplastic syndrome. Identifiers: Orphanet 140162, MedGen C0027672, MeSH D009386, MONDO:0015356.
Ataxia-telangiectasia syndrome (AT). Also called: ATAXIA-TELANGIECTASIA, COMPLEMENTATION GROUP A; ATAXIA-TELANGIECTASIA, FRESNO VARIANT; Ataxia-telangiectasia; Ataxia-telangiectasia, complementation group E; Cerebello-oculocutaneous telangiectasia; Immunodeficiency with ataxia telangiectasia. Identifiers: Orphanet 100, MedGen C0004135, MONDO:0008840, OMIM 208900.

Submissions (3):

Ambry Genetics
Classification: Uncertain significance for Hereditary cancer-predisposing syndrome. Last evaluated: 2024-05-28. Review status: criteria provided, single submitter. Criteria: Ambry Variant Classification Scheme 2023. Collection method: clinical testing. Allele origin: germline.
Comment: The c.7816_7818delATA variant (also known as p.I2606del) is located in coding exon 52 of the ATM gene. This variant results from an in-frame ATA deletion at nucleotide positions 7816 to 7818. This results in the in-frame deletion of an isoleucine at codon 2606. This amino acid position is well conserved in available vertebrate species. In addition, this alteration is predicted to be deleterious by in silico analysis (Choi Y et al. PLoS ONE. 2012; 7(10):e46688). Based on the available evidence, the clinical significance of this variant remains unclear.

Color Diagnostics, LLC DBA Color Health
Classification: Uncertain significance for Hereditary cancer-predisposing syndrome. Last evaluated: 2022-07-05. Review status: criteria provided, single submitter. Criteria: ACMG Guidelines, 2015. Collection method: clinical testing. Allele origin: germline.
Comment: This variant causes a deletion of 1 amino acid from the ATM protein. To our knowledge, functional studies have not been reported for this variant. This variant has not been reported in individuals affected with hereditary cancer in the literature. This variant has not been identified in the general population by the Genome Aggregation Database (gnomAD). The available evidence is insufficient to determine the role of this variant in disease conclusively. Therefore, this variant is classified as a Variant of Uncertain Significance.

Labcorp Genetics (formerly Invitae), Labcorp
Classification: Uncertain significance for Ataxia-telangiectasia syndrome. Last evaluated: 2022-02-09. Review status: criteria provided, single submitter. Criteria: Invitae Variant Classification Sherloc (09022015). Collection method: clinical testing. Allele origin: germline.
Comment: This variant is not present in population databases (gnomAD no frequency). This variant has not been reported in the literature in individuals affected with ATM-related conditions. ClinVar contains an entry for this variant (Variation ID: 187566). Experimental studies and prediction algorithms are not available or were not evaluated, and the functional significance of this variant is currently unknown. In summary, the available evidence is currently insufficient to determine the role of this variant in disease. Therefore, it has been classified as a Variant of Uncertain Significance. This variant, c.7816_7818del, results in the deletion of 1 amino acid(s) of the ATM protein (p.Ile2606del), but otherwise preserves the integrity of the reading frame.

NM_000051.4(ATM):c.7813ATA[1] (p.Ile2606del)

Genes: ATM (ATM serine/threonine kinase; plus strand), C11orf65 (chromosome 11 open reading frame 65; minus strand). Cytogenetic location: 11q22.3.
Variant type: Microsatellite.
Coding change: c.7813ATA[1] on transcript NM_000051.4 (MANE Select); one copy of the 3-base unit ATA starting at c.7813; the reference has two copies in a row; one copy, 3 bases deleted; also written c.7816_7818del.
Protein change: p.Ile2606del; deletes isoleucine 2606.
Molecular consequence: inframe deletion. On other transcripts: inframe indel (1), intron variant (2).
Genome position (GRCh38, 1-based): chr11:108,332,789-108,332,791, ATA deleted; deleting any 3 consecutive bases within chr11:108,332,785-108,332,791 gives the same sequence; the position shown is the placement nearest the transcript's 3' end. VCF-style (leftmost placement, unchanged base first): chr11-108332784-GAAT-G. GRCh37 (hg19) VCF-style: chr11-108203511-GAAT-G.
Other names: c.7816_7818delATA (NM_000051.3); c.7813ATA[1], p.Ile2606del (NM_001351834.2); c.641-23716_641-23714del (NM_001330368.2); c.*38+2433_*38+2435del (NM_001351110.2); c.7816_7818del (NM_000051.4); short protein forms I2606del.
Identifiers: ClinVar variation 187566 (VCV000187566.21), dbSNP rs786203830, ClinGen allele CA197972.